The following is an entry in ClinVar:

ClinVar aggregate classification (germline): Pathogenic (1 of 4 stars; one submission).

Conditions:
Gorlin syndrome. Also called: Nevoid Basal Cell Carcinoma Syndrome; Basal cell nevus syndrome. Identifiers: Orphanet 377, MedGen C0004779, MONDO:0007187.

Submission:

Labcorp Genetics (formerly Invitae), Labcorp
Classification: Pathogenic for Gorlin syndrome. Last evaluated: 2019-06-24. Review status: criteria provided, single submitter. Criteria: Invitae Variant Classification Sherloc (09022015). Collection method: clinical testing. Allele origin: germline.
Comment: This sequence change creates a premature translational stop signal (p.Cys722Alafs*24) in the PTCH1 gene. It is expected to result in an absent or disrupted protein product. For these reasons, this variant has been classified as Pathogenic. Loss-of-function variants in PTCH1 are known to be pathogenic (PMID: 16301862, 16419085). This variant has not been reported in the literature in individuals with PTCH1-related conditions. This variant is not present in population databases (ExAC no frequency).

Literature cited by the submitters: PubMed 16301862; PubMed 16419085.

NM_000264.5(PTCH1):c.2163del (p.Cys722fs)

Genes: PTCH1 (patched 1; minus strand), LOC100507346 (uncharacterized LOC100507346; plus strand). Cytogenetic location: 9q22.32.
Variant type: Deletion.
Coding change: c.2163del on transcript NM_000264.5 (MANE Select); coding-DNA position 2163, one base deleted (C; older notation c.2163delC).
Protein change: p.Cys722fs; shifts the reading frame from cysteine 722.
Molecular consequence: frameshift variant. On other transcripts: non-coding transcript variant (2).
Genome position (GRCh38, 1-based): chr9:95,468,838, G deleted on the plus strand (C on the coding strand, the reverse complement: PTCH1 is on the minus strand). VCF-style (leftmost placement, unchanged base first): chr9-95468837-AG-A. GRCh37 (hg19) VCF-style: chr9-98231119-AG-A.
Other names: c.1965del, p.Cys656fs (NM_001083602.3); c.2160del, p.Cys721fs (NM_001083603.3); c.1710del, p.Cys571fs (NM_001083604.3, NM_001083605.3, NM_001083606.3 and 1 more transcripts); c.2007del, p.Cys670fs (NM_001354918.2); short protein forms C656fs, C571fs, C670fs, C721fs, C722fs.
Identifiers: ClinVar variation 947568 (VCV000947568.8), dbSNP rs1840281213, ClinGen allele CA1139659361.